The following is an entry in ClinVar:

ClinVar aggregate classification (germline): Uncertain significance. Review status: criteria provided, multiple submitters, no conflicts (2 of 4 stars). 2 submissions from 2 submitters: Uncertain significance (2). Last evaluated 2025-07-01.

Conditions:
Branched-chain keto acid dehydrogenase kinase deficiency (BCKDKD). Also called: BCKDK DEFICIENCY. Identifiers: Orphanet 308410, MedGen C3554078, MONDO:0013970, OMIM 614923.
Inborn genetic diseases. Identifiers: MedGen C0950123, MeSH D030342.

gnomAD v4.1: 1 of 1,614,078 alleles (0.000062%); highest among the groups gnomAD compares: African/African-American, 0.0013%; no homozygotes.

Submissions (2):

Ambry Genetics
Classification: Uncertain significance for Inborn genetic diseases. Last evaluated: 2025-07-01. Review status: criteria provided, single submitter. Criteria: Ambry Variant Classification Scheme 2023. Collection method: clinical testing. Allele origin: germline.

Labcorp Genetics (formerly Invitae), Labcorp
Classification: Uncertain significance for Branched-chain keto acid dehydrogenase kinase deficiency. Last evaluated: 2019-05-04. Review status: criteria provided, single submitter. Criteria: Invitae Variant Classification Sherloc (09022015). Collection method: clinical testing. Allele origin: germline.
Comment: In summary, the available evidence is currently insufficient to determine the role of this variant in disease. Therefore, it has been classified as a Variant of Uncertain Significance. Algorithms developed to predict the effect of missense changes on protein structure and function are either unavailable or do not agree on the potential impact of this missense change (SIFT: "Deleterious"; PolyPhen-2: "Possibly Damaging"; Align-GVGD: "Class C0"). This variant has not been reported in the literature in individuals with BCKDK-related conditions. This variant is not present in population databases (ExAC no frequency). This sequence change replaces isoleucine with leucine at codon 265 of the BCKDK protein (p.Ile265Leu). The isoleucine residue is highly conserved and there is a small physicochemical difference between isoleucine and leucine.

NM_005881.4(BCKDK):c.793A>C (p.Ile265Leu)

Gene: BCKDK (branched chain keto acid dehydrogenase kinase; plus strand). Cytogenetic location: 16p11.2.
Variant type: single nucleotide variant.
Coding change: c.793A>C on transcript NM_005881.4 (MANE Select); coding-DNA position 793, A replaced by C.
Protein change: p.Ile265Leu; replaces isoleucine 265 with leucine.
Molecular consequence: missense variant.
Genome position (GRCh38, 1-based): chr16:31,111,167, A>C. VCF-style: chr16-31111167-A-C. GRCh37 (hg19) VCF-style: chr16-31122488-A-C.
Other names: c.793A>C (NM_005881.2); c.793A>C, p.Ile265Leu (NM_001122957.4, NM_001271926.3); short protein forms I265L.
Identifiers: ClinVar variation 944223 (VCV000944223.11), dbSNP rs2057409516, ClinGen allele CA395658898.
Genomic context (GRCh38, chr16:31,111,167, plus strand): 5'-AAGTATGGCAATGCGCCCCGTGTCCGCATCAATGGCCATGTGGCTGCCCGGTTCCCCTTC[A>C]TCCCTATGCCACTGGACTACATCCTGCCGGAGCTGCTCAAGAATGCCATGAGGTGGGGTG-3'
Protein context (NP_005872.2, residues 255-275): NGHVAARFPF[Ile265Leu]PMPLDYILPE